The following is an entry in ClinVar:

ClinVar aggregate classification (germline): Uncertain significance (1 of 4 stars; one submission).

Submission:

GeneDx
Classification: Uncertain significance. Last evaluated: 2023-05-21. Review status: criteria provided, single submitter. Criteria: GeneDx Variant Classification Process June 2021. Collection method: clinical testing. Allele origin: germline. Affected: yes.
Comment: Not observed at significant frequency in large population cohorts (gnomAD); In silico analysis supports that this missense variant has a deleterious effect on protein structure/function; Has not been previously published as pathogenic or benign to our knowledge

NM_001378414.1(HDAC4):c.3008A>G (p.Asp1003Gly)

Gene: HDAC4 (histone deacetylase 4; minus strand). Cytogenetic location: 2q37.3.
Variant type: single nucleotide variant.
Coding change: c.3008A>G on transcript NM_001378414.1 (MANE Select); coding-DNA position 3008, A replaced by G.
Protein change: p.Asp1003Gly; replaces aspartic acid 1003 with glycine.
Molecular consequence: missense variant.
Genome position (GRCh38, 1-based): chr2:239,054,829, T>C on the plus strand (A>G on the coding strand, the complement: HDAC4 is on the minus strand). VCF-style: chr2-239054829-T-C. GRCh37 (hg19) VCF-style: chr2-239976525-T-C.
Other names: c.3008A>G, p.Asp1003Gly (NM_001378415.1); c.2993A>G, p.Asp998Gly (NM_001378416.1, NM_001378417.1, NM_006037.4); short protein forms D1003G, D998G.
Identifiers: ClinVar variation 3343609 (VCV003343609.1).